The following is an entry in ClinVar:

NM_080680.3(COL11A2):c.3605G>T (p.Gly1202Val)

Gene: COL11A2 (collagen type XI alpha 2 chain; minus strand). Cytogenetic location: 6p21.32.
Variant type: single nucleotide variant.
Coding change: c.3605G>T on transcript NM_080680.3 (MANE Select); coding-DNA position 3605, G replaced by T.
Protein change: p.Gly1202Val; replaces glycine 1202 with valine.
Molecular consequence: missense variant.
Genome position (GRCh38, 1-based): chr6:33,170,078, C>A on the plus strand (G>T on the coding strand, the complement: COL11A2 is on the minus strand). VCF-style: chr6-33170078-C-A. GRCh37 (hg19) VCF-style: chr6-33137855-C-A.
Other names: c.3284G>T, p.Gly1095Val (NM_080679.3); c.3347G>T, p.Gly1116Val (NM_080681.3); c.3425G>T, p.Gly1142Val (NM_001424108.1); c.2759G>T, p.Gly920Val (NM_001424109.1); c.2579G>T, p.Gly860Val (NM_001424110.1, NM_001424111.1); c.1559G>T, p.Gly520Val (NM_001424112.1); short protein forms G1095V, G1116V, G1142V, G1202V, G520V, G860V, G920V.
Identifiers: ClinVar variation 5040597 (VCV005040597.1).

ClinVar aggregate classification (germline): Uncertain significance (1 of 4 stars; one submission).

Submission:

CeGaT Center for Human Genetics Tuebingen
Classification: Uncertain significance. Last evaluated: 2026-08-01. Review status: criteria provided, single submitter. Criteria: CeGaT Center For Human Genetics Tuebingen Variant Classification Criteria Version 2. Collection method: clinical testing. Allele origin: germline. Affected: yes. Observed: 1 variant allele.
Comment: COL11A2: PM2, PP3